The following is an entry in ClinVar:

ClinVar aggregate classification (germline): Uncertain significance (1 of 4 stars; one submission).

Allele frequency attached by ClinVar (database versions not stated): gnomAD exomes below 0.00001; gnomAD 0.00001; TOPMed 0.00001.
gnomAD v4.1: 3 of 1,613,434 alleles (0.00019%); highest among the groups gnomAD compares: Non-Finnish European, 0.00025%; no homozygotes.

Submission:

Ambry Genetics
Classification: Uncertain significance. Last evaluated: 2024-06-02. Review status: criteria provided, single submitter. Criteria: Ambry Variant Classification Scheme 2023. Collection method: clinical testing. Allele origin: germline.
Comment: The p.K547E variant (also known as c.1639A>G), located in coding exon 13 of the NPAT gene, results from an A to G substitution at nucleotide position 1639. The lysine at codon 547 is replaced by glutamic acid, an amino acid with similar properties. This amino acid position is conserved. In addition, this alteration is predicted to be tolerated by in silico analysis. Since supporting evidence is limited at this time, the clinical significance of this alteration remains unclear.

NM_002519.3(NPAT):c.1639A>G (p.Lys547Glu)

Gene: NPAT (nuclear protein, coactivator of histone transcription; minus strand). Cytogenetic location: 11q22.3.
Variant type: single nucleotide variant.
Coding change: c.1639A>G on transcript NM_002519.3 (MANE Select); coding-DNA position 1639, A replaced by G.
Protein change: p.Lys547Glu; replaces lysine 547 with glutamic acid.
Molecular consequence: missense variant.
Genome position (GRCh38, 1-based): chr11:108,173,345, T>C on the plus strand (A>G on the coding strand, the complement: NPAT is on the minus strand). VCF-style: chr11-108173345-T-C. GRCh37 (hg19) VCF-style: chr11-108044072-T-C.
Other names: c.1639A>G, p.Lys547Glu (NM_001321307.1); short protein forms K547E.
Identifiers: ClinVar variation 1776985 (VCV001776985.3), dbSNP rs1186358125, ClinGen allele CA382514702.